The following is an entry in ClinVar:

ClinVar aggregate classification (germline): Likely benign. Review status: criteria provided, multiple submitters, no conflicts (2 of 4 stars). 4 submissions from 4 submitters: Likely benign (4). Last evaluated 2025-10-20.

Conditions:
Luscan-Lumish syndrome. Identifiers: Orphanet 597738, MedGen C4085873, MONDO:0014791, OMIM 616831.

Allele frequency attached by ClinVar (database versions not stated): gnomAD exomes 0.00005 and 0.00006; ExAC 0.00006; gnomAD 0.00006 and 0.00007; TOPMed 0.00006.
gnomAD v4.1: 93 of 1,613,998 alleles (0.0058%); highest among the groups gnomAD compares: Middle Eastern, 0.049%; no homozygotes.

Submissions (6):

Labcorp Genetics (formerly Invitae), Labcorp
Classification: Likely benign for Luscan-Lumish syndrome. Last evaluated: 2025-10-20. Review status: criteria provided, single submitter. Criteria: Invitae Variant Classification Sherloc (09022015). Collection method: clinical testing. Allele origin: germline.

Blueprint Genetics
Classification: Likely benign. Last evaluated: 2024-11-23. Review status: criteria provided, single submitter. Criteria: ACMG Guidelines, 2015. Collection method: clinical testing. Allele origin: germline.

CeGaT Center for Human Genetics Tuebingen
Classification: Likely benign. Last evaluated: 2024-07-01. Review status: criteria provided, single submitter. Criteria: CeGaT Center For Human Genetics Tuebingen Variant Classification Criteria Version 2. Collection method: clinical testing. Allele origin: germline. Affected: yes. Observed: 1 variant allele.
Comment: SETD2: BP4, BP7

Breakthrough Genomics
Classification: Likely benign. Review status: criteria provided, single submitter. Criteria: ACMG Guidelines, 2015. Collection method: not provided. Allele origin: germline. Inheritance: Autosomal dominant inheritance. Affected: yes.

Dr. Peter K. Rogan Lab, Western University
No classification provided (evidence only). Condition: Malignant tumor of urinary bladder. Review status: no classification provided. Collection method: in vitro. Allele origin: not applicable. Functional consequence: retained intron. Not counted in ClinVar's aggregate classification.

Dr. Peter K. Rogan Lab, Western University
No classification provided (evidence only). Condition: Ovarian serous cystadenocarcinoma. Review status: no classification provided. Collection method: in vitro. Allele origin: not applicable. Functional consequence: retained intron. Not counted in ClinVar's aggregate classification.

NM_014159.7(SETD2):c.3975A>G (p.Gly1325=)

Gene: SETD2 (SET domain containing 2, histone lysine methyltransferase; minus strand). Cytogenetic location: 3p21.31.
Variant type: single nucleotide variant.
Coding change: c.3975A>G on transcript NM_014159.7 (MANE Select); coding-DNA position 3975, A replaced by G.
Protein change: p.Gly1325=; no amino-acid change (glycine 1325 retained).
Molecular consequence: synonymous variant. On other transcripts: non-coding transcript variant (1).
Genome position (GRCh38, 1-based): chr3:47,120,661, T>C on the plus strand (A>G on the coding strand, the complement: SETD2 is on the minus strand). VCF-style: chr3-47120661-T-C. GRCh37 (hg19) VCF-style: chr3-47162151-T-C.
Other names: c.3843A>G, p.Gly1281= (NM_001349370.3).
Identifiers: ClinVar variation 714359 (VCV000714359.29), dbSNP rs775604042, ClinGen allele CA2363284.
Genomic context (GRCh38, chr3:47,120,661, plus strand): 5'-ATCCTGTTGATCCCAATTCTCCTCTTCTTCACGATCATCTGTTAGGGAATCTGGTACTTG[T>C]CCTTGAGTTCGATCATACACAACCCCAGTTCCAGGAGGTCTACCTGATCTTGGATCCCAG-3'
Protein context (NP_054878.5, residues 1315-1335): GTGVVYDRTQ[Gly1325=]QVPDSLTDDR